The following is an entry in ClinVar:

NM_005685.4(GTF2IRD1):c.1035C>T (p.Thr345=)

Gene: GTF2IRD1 (GTF2I repeat domain containing 1; plus strand). Cytogenetic location: 7q11.23.
Variant type: single nucleotide variant.
Coding change: c.1035C>T on transcript NM_005685.4 (MANE Select); coding-DNA position 1035, C replaced by T.
Protein change: p.Thr345=; no amino-acid change (threonine 345 retained).
Molecular consequence: synonymous variant.
Genome position (GRCh38, 1-based): chr7:74,524,099, C>T. VCF-style: chr7-74524099-C-T. GRCh37 (hg19) VCF-style: chr7-73938429-C-T.
Other names: c.1131C>T, p.Thr377= (NM_001199207.2); c.1035C>T, p.Thr345= (NM_016328.3).
Identifiers: ClinVar variation 756506 (VCV000756506.26), dbSNP rs782111064, ClinGen allele CA4296708.
Genomic context (GRCh38, chr7:74,524,099, plus strand): 5'-CCTGCTCACTTGTGCCTCCTGTGTTTTGATAGAGAAGTGGGACGCCTTCATAAAGGAAAC[C>T]GAGGACATCAACACGCTCCGGGAGTGTGTGCAGATCCTGTTTAACAGCAGATATGGTGAG-3'
Protein context (NP_005676.3, residues 335-355): SEKWDAFIKE[Thr345=]EDINTLRECV

ClinVar aggregate classification (germline): Likely benign. Review status: criteria provided, multiple submitters, no conflicts (2 of 4 stars). 2 submissions from 2 submitters: Likely benign (2). Last evaluated 2023-11-01.

Allele frequency attached by ClinVar (database versions not stated): gnomAD 0.00002 and 0.00003; ExAC 0.00007; TOPMed 0.00007; gnomAD exomes 0.00008.
gnomAD v4.1: 41 of 1,612,878 alleles (0.0025%); highest among the groups gnomAD compares: East Asian, 0.033%; no homozygotes.

Submissions (2):

CeGaT Center for Human Genetics Tuebingen
Classification: Likely benign. Last evaluated: 2023-11-01. Review status: criteria provided, single submitter. Criteria: CeGaT Center For Human Genetics Tuebingen Variant Classification Criteria Version 2. Collection method: clinical testing. Allele origin: germline. Affected: yes. Observed: 1 variant allele.
Comment: GTF2IRD1: BP4, BP7

Labcorp Genetics (formerly Invitae), Labcorp
Classification: Likely benign. Last evaluated: 2018-07-06. Review status: criteria provided, single submitter. Criteria: Invitae Variant Classification Sherloc (09022015). Collection method: clinical testing. Allele origin: germline.